The following is an entry in ClinVar:

ClinVar aggregate classification (germline): Uncertain significance. Review status: criteria provided, multiple submitters, no conflicts (2 of 4 stars). 2 submissions from 2 submitters: Uncertain significance (2). Last evaluated 2025-02-20.

Conditions:
Hereditary cancer-predisposing syndrome. Also called: Hereditary neoplastic syndrome; Neoplastic Syndromes, Hereditary; Tumor predisposition; Hereditary Cancer Syndrome. Identifiers: Orphanet 140162, MedGen C0027672, MeSH D009386, MONDO:0015356.
Tuberous sclerosis 2 (TSC2). Identifiers: Orphanet 805, MedGen C1860707, MONDO:0013199, OMIM 613254.

Allele frequency attached by ClinVar (database versions not stated): gnomAD exomes below 0.00001.
gnomAD v4.1: 1 of 1,613,876 alleles (0.000062%); highest among the groups gnomAD compares: Non-Finnish European, 0.000085%; no homozygotes.

Submissions (2):

Ambry Genetics
Classification: Uncertain significance for Hereditary cancer-predisposing syndrome. Last evaluated: 2025-02-20. Review status: criteria provided, single submitter. Criteria: Ambry Variant Classification Scheme 2023. Collection method: clinical testing. Allele origin: germline.
Comment: The p.Q503E variant (also known as c.1507C>G), located in coding exon 14 of the TSC2 gene, results from a C to G substitution at nucleotide position 1507. The glutamine at codon 503 is replaced by glutamic acid, an amino acid with highly similar properties. This amino acid position is not well conserved in available vertebrate species. In addition, the in silico prediction for this alteration is inconclusive. Based on the available evidence, the clinical significance of this variant remains unclear.

Labcorp Genetics (formerly Invitae), Labcorp
Classification: Uncertain significance for Tuberous sclerosis 2. Last evaluated: 2020-08-06. Review status: criteria provided, single submitter. Criteria: Invitae Variant Classification Sherloc (09022015). Collection method: clinical testing. Allele origin: germline.
Comment: In summary, the available evidence is currently insufficient to determine the role of this variant in disease. Therefore, it has been classified as a Variant of Uncertain Significance. Advanced modeling of protein sequence and biophysical properties (such as structural, functional, and spatial information, amino acid conservation, physicochemical variation, residue mobility, and thermodynamic stability) performed at Invitae indicates that this missense variant is not expected to disrupt TSC2 protein function. This variant has not been reported in the literature in individuals with TSC2-related conditions. This variant is not present in population databases (ExAC no frequency). This sequence change replaces glutamine with glutamic acid at codon 503 of the TSC2 protein (p.Gln503Glu). The glutamine residue is highly conserved and there is a small physicochemical difference between glutamine and glutamic acid.

NM_000548.5(TSC2):c.1507C>G (p.Gln503Glu)

Gene: TSC2 (TSC complex subunit 2; plus strand). Cytogenetic location: 16p13.3.
Variant type: single nucleotide variant.
Coding change: c.1507C>G on transcript NM_000548.5 (MANE Select); coding-DNA position 1507, C replaced by G.
Protein change: p.Gln503Glu; replaces glutamine 503 with glutamic acid.
Molecular consequence: missense variant.
Genome position (GRCh38, 1-based): chr16:2,064,335, C>G. VCF-style: chr16-2064335-C-G. GRCh37 (hg19) VCF-style: chr16-2114336-C-G.
Other names: c.1507C>G, p.Gln503Glu (NM_001077183.3, NM_001114382.3, NM_001363528.2 and 3 more transcripts); c.1396C>G, p.Gln466Glu (NM_001318827.2); c.1360C>G, p.Gln454Glu (NM_001318829.2); c.907C>G, p.Gln303Glu (NM_001318831.2); c.1540C>G, p.Gln514Glu (NM_001318832.2); c.1507C>G (NM_000548.3); short protein forms Q303E, Q454E, Q466E, Q503E, Q514E.
Identifiers: ClinVar variation 1001714 (VCV001001714.11), dbSNP rs397514929, ClinGen allele CA394326106.